The following is an entry in ClinVar:

ClinVar aggregate classification (germline): Uncertain significance (1 of 4 stars; one submission).

Submission:

Labcorp Genetics (formerly Invitae), Labcorp
Classification: Uncertain significance. Last evaluated: 2025-09-15. Review status: criteria provided, single submitter. Criteria: Invitae Variant Classification Sherloc (09022015). Collection method: clinical testing. Allele origin: germline.
Comment: This sequence change replaces glycine, which is neutral and non-polar, with arginine, which is basic and polar, at codon 137 of the KCNK4 protein (p.Gly137Arg). This variant is not present in population databases (gnomAD no frequency). This variant has not been reported in the literature in individuals affected with KCNK4-related conditions. An algorithm developed to predict the effect of missense changes on protein structure and function (PolyPhen-2) suggests that this variant is likely to be disruptive. In summary, the available evidence is currently insufficient to determine the role of this variant in disease. Therefore, it has been classified as a Variant of Uncertain Significance.

NM_033310.3(KCNK4):c.409G>C (p.Gly137Arg)

Genes: KCNK4 (potassium two pore domain channel subfamily K member 4; plus strand), KCNK4-CATSPERZ (KCNK4-CATSPERZ readthrough (NMD candidate); plus strand). Cytogenetic location: 11q13.1.
Variant type: single nucleotide variant.
Coding change: c.409G>C on transcript NM_033310.3 (MANE Select); coding-DNA position 409, G replaced by C.
Protein change: p.Gly137Arg; replaces glycine 137 with arginine.
Molecular consequence: missense variant. On other transcripts: non-coding transcript variant (3).
Genome position (GRCh38, 1-based): chr11:64,297,214, G>C. VCF-style: chr11-64297214-G-C. GRCh37 (hg19) VCF-style: chr11-64064686-G-C.
Other names: c.409G>C, p.Gly137Arg (NM_001317090.2); short protein forms G137R.
Identifiers: ClinVar variation 4766479 (VCV004766479.1).